The following is an entry in ClinVar:

ClinVar aggregate classification (germline): Benign. Review status: criteria provided, multiple submitters, no conflicts (2 of 4 stars). 2 submissions from 2 submitters: Benign (2). Last evaluated 2018-01-12.

Conditions:
Immunodeficiency 104. Also called: IMMUNODEFICIENCY 104, SEVERE COMBINED; Severe combined immunodeficiency, autosomal recessive, T cell-negative, B cell-positive, NK cell-positive; SCID, AUTOSOMAL RECESSIVE, T CELL-NEGATIVE, B CELL-POSITIVE, NK CELL-POSITIVE; Severe Combined Immune Deficiency, Autosomal Recessive, TCell -Negative, B Cell-Positive, NK Cell-Positive, IL7R-Related. Identifiers: MedGen C5676890, MONDO:0012163, OMIM 608971.

Allele frequency attached by ClinVar (database versions not stated): gnomAD exomes 0.24609; 1000 Genomes Project 0.26458; 1000 Genomes Project 30x 0.27311; gnomAD 0.31002 and 0.31938; TOPMed 0.31239.

Submissions (2):

Illumina Laboratory Services, Illumina
Classification: Benign for Immunodeficiency 104. Last evaluated: 2018-01-12. Review status: criteria provided, single submitter. Criteria: ICSL Variant Classification Criteria 13 December 2019. Collection method: clinical testing. Allele origin: germline.
Comment: This variant was observed in the ICSL laboratory as part of a predisposition screen in an ostensibly healthy population. It had not been previously curated by ICSL or reported in the Human Gene Mutation Database (HGMD: prior to June 1st, 2018), and was therefore a candidate for classification through an automated scoring system. Utilizing variant allele frequency, disease prevalence and penetrance estimates, and inheritance mode, an automated score was calculated to assess if this variant is too frequent to cause the disease. Based on the score and internal cut-off values, a variant classified as benign is not then subjected to further curation. The score for this variant resulted in a classification of benign for this disease.

Breakthrough Genomics
Classification: Benign. Review status: criteria provided, single submitter. Criteria: ACMG Guidelines, 2015. Collection method: not provided. Allele origin: germline. Inheritance: Autosomal recessive inheritance. Affected: yes.

NM_002185.5(IL7R):c.*2841T>C

Gene: IL7R (interleukin 7 receptor; plus strand). Cytogenetic location: 5p13.2.
Variant type: single nucleotide variant.
Coding change: c.*2841T>C on transcript NM_002185.5 (MANE Select); 2841 bases downstream of the stop codon, T replaced by C.
Molecular consequence: 3 prime UTR variant. On other transcripts: non-coding transcript variant (1).
Genome position (GRCh38, 1-based): chr5:35,879,327, T>C. VCF-style: chr5-35879327-T-C. GRCh37 (hg19) VCF-style: chr5-35879429-T-C.
Identifiers: ClinVar variation 906321 (VCV000906321.5), dbSNP rs1053496, ClinGen allele CA11966312.